The following is an entry in ClinVar:

NM_002608.4(PDGFB):c.635C>T (p.Thr212Met)

Gene: PDGFB (platelet derived growth factor subunit B; minus strand). Cytogenetic location: 22q13.1.
Variant type: single nucleotide variant.
Coding change: c.635C>T on transcript NM_002608.4 (MANE Select); coding-DNA position 635, C replaced by T.
Protein change: p.Thr212Met; replaces threonine 212 with methionine.
Molecular consequence: missense variant.
Genome position (GRCh38, 1-based): chr22:39,225,814, G>A on the plus strand (C>T on the coding strand, the complement: PDGFB is on the minus strand). VCF-style: chr22-39225814-G-A. GRCh37 (hg19) VCF-style: chr22-39621819-G-A.
Other names: p.Thr212Met; c.590C>T, p.Thr197Met (NM_033016.3); short protein forms T212M, T197M.
Identifiers: ClinVar variation 522279 (VCV000522279.30), dbSNP rs114786489, ClinGen allele CA10240032.

ClinVar aggregate classification (germline): Benign/Likely benign. Review status: criteria provided, multiple submitters, no conflicts (2 of 4 stars). 8 submissions from 7 submitters: Benign (4); Likely benign (2). 2 of the submissions do not count toward it. Last evaluated 2026-04-01.

Conditions:
Dermatofibrosarcoma protuberans (DFSP). Also called: Familial dermatofibrosarcoma protuberans (subtype); Metastatic dermatofibrosarcoma protuberans (subtype); DERMATOFIBROSARCOMA PROTUBERANS, SOMATIC; GIANT CELL FIBROBLASTOMA. Identifiers: Orphanet 31112, MedGen C3693482, MONDO:0011934, OMIM 607907.

Allele frequency attached by ClinVar (database versions not stated): TOPMed 0.00403; gnomAD 0.00422 and 0.00432; 1000 Genomes Project 30x 0.00250; 1000 Genomes Project 0.00319; ESP Exome Variant Server 0.00369.
gnomAD v4.1: 9,959 of 1,613,780 alleles (0.62%); highest among the groups gnomAD compares: South Asian, 1.5%; 42 homozygotes.

Submissions (8):

CeGaT Center for Human Genetics Tuebingen
Classification: Benign. Last evaluated: 2026-04-01. Review status: criteria provided, single submitter. Criteria: CeGaT Center For Human Genetics Tuebingen Variant Classification Criteria Version 2. Collection method: clinical testing. Allele origin: germline. Affected: yes. Observed: 4 variant alleles.
Comment: PDGFB: BS1, BS2

Labcorp Genetics (formerly Invitae), Labcorp
Classification: Benign. Last evaluated: 2026-01-17. Review status: criteria provided, single submitter. Criteria: Invitae Variant Classification Sherloc (09022015). Collection method: clinical testing. Allele origin: germline.

Mayo Clinic Laboratories, Mayo Clinic
Classification: Benign. Last evaluated: 2023-05-01. Review status: criteria provided, single submitter. Criteria: ACMG Guidelines, 2015. Collection method: clinical testing. Allele origin: germline. Observed: 11 variant alleles.
Comment: BS1, BS2, BP4

GeneDx
Classification: Likely benign. Last evaluated: 2020-10-20. Review status: criteria provided, single submitter. Criteria: GeneDx Variant Classification Process June 2021. Collection method: clinical testing. Allele origin: germline. Affected: yes.

Clinical Genetics DNA and cytogenetics Diagnostics Lab, Erasmus MC, Erasmus Medical Center
Classification: Benign for Dermatofibrosarcoma protuberans. Last evaluated: 2017-06-28. Review status: criteria provided, single submitter. Criteria: ACGS Guidelines, 2013. Collection method: clinical testing. Allele origin: germline. Affected: yes. Study: VKGL Data-share Consensus.

Breakthrough Genomics
Classification: Likely benign. Review status: criteria provided, single submitter. Criteria: ACMG Guidelines, 2015. Collection method: not provided. Allele origin: germline. Inheritance: Autosomal dominant inheritance. Affected: yes.

Genome Diagnostics Laboratory, Amsterdam University Medical Center
Classification: Likely benign for Dermatofibrosarcoma protuberans. Last evaluated: 2016-09-23. Review status: no assertion criteria provided. Criteria: ACGS Guidelines, 2013. Collection method: clinical testing. Allele origin: germline. Affected: yes. Study: VKGL Data-share Consensus. Not counted in ClinVar's aggregate classification.

Genome Diagnostics Laboratory, Amsterdam University Medical Center
Classification: Benign. Review status: no assertion criteria provided. Collection method: clinical testing. Allele origin: germline. Affected: yes. Study: VKGL Data-share Consensus. Not counted in ClinVar's aggregate classification.